The following is an entry in ClinVar:

NM_001376013.1(EPB41):c.1112A>G (p.His371Arg)

Gene: EPB41 (erythrocyte membrane protein band 4.1; plus strand). Cytogenetic location: 1p35.3.
Variant type: single nucleotide variant.
Coding change: c.1112A>G on transcript NM_001376013.1 (MANE Select); coding-DNA position 1112, A replaced by G.
Protein change: p.His371Arg; replaces histidine 371 with arginine.
Molecular consequence: missense variant.
Genome position (GRCh38, 1-based): chr1:29,018,430, A>G. VCF-style: chr1-29018430-A-G. GRCh37 (hg19) VCF-style: chr1-29344942-A-G.
Other names: c.1112A>G, p.His371Arg (NM_001166005.2, NM_001166006.2, NM_001376014.1 and 7 more transcripts); c.485A>G, p.His162Arg (NM_001166007.2, NM_001376022.1, NM_001376023.1 and 7 more transcripts); c.1007A>G, p.His336Arg (NM_203343.3); short protein forms H162R, H336R, H371R.
Identifiers: ClinVar variation 3771410 (VCV003771410.13).

ClinVar aggregate classification (germline): Uncertain significance (1 of 4 stars; one submission).

gnomAD v4.1: 35 of 1,614,030 alleles (0.0022%); highest among the groups gnomAD compares: Admixed American, 0.0017%; no homozygotes.

Submission:

CeGaT Center for Human Genetics Tuebingen
Classification: Uncertain significance. Last evaluated: 2024-12-01. Review status: criteria provided, single submitter. Criteria: CeGaT Center For Human Genetics Tuebingen Variant Classification Criteria Version 2. Collection method: clinical testing. Allele origin: germline. Affected: yes. Observed: 1 variant allele.
Comment: EPB41: PM2, PP3